The following is an entry in ClinVar:

NM_001101362.3(KBTBD13):c.1365G>C (p.Thr455=)

Gene: KBTBD13 (kelch repeat and BTB domain containing 13; plus strand). Cytogenetic location: 15q22.31.
Variant type: single nucleotide variant.
Coding change: c.1365G>C on transcript NM_001101362.3 (MANE Select); coding-DNA position 1365, G replaced by C.
Protein change: p.Thr455=; no amino-acid change (threonine 455 retained).
Molecular consequence: synonymous variant.
Genome position (GRCh38, 1-based): chr15:65,078,180, G>C. VCF-style: chr15-65078180-G-C. GRCh37 (hg19) VCF-style: chr15-65370518-G-C.
Identifiers: ClinVar variation 2710037 (VCV002710037.4), dbSNP rs771846259, ClinGen allele CA7614126.

ClinVar aggregate classification (germline): Likely benign. Review status: criteria provided, multiple submitters, no conflicts (2 of 4 stars). 2 submissions from 2 submitters: Likely benign (2). Last evaluated 2026-07-01.

Conditions:
Nemaline myopathy 6 (NEM6). Also called: Nemaline myopathy 6, autosomal dominant. Identifiers: Orphanet 171439, MedGen C1836472, MONDO:0012237, OMIM 609273.

Allele frequency attached by ClinVar (database versions not stated): gnomAD 0.00001; TOPMed 0.00005.
gnomAD v4.1: 10 of 1,540,152 alleles (0.00065%); highest among the groups gnomAD compares: East Asian, 0.024%; no homozygotes.

Submissions (2):

CeGaT Center for Human Genetics Tuebingen
Classification: Likely benign. Last evaluated: 2026-07-01. Review status: criteria provided, single submitter. Criteria: CeGaT Center For Human Genetics Tuebingen Variant Classification Criteria Version 2. Collection method: clinical testing. Allele origin: germline. Affected: yes. Observed: 1 variant allele.
Comment: KBTBD13: BP4, BP7

Labcorp Genetics (formerly Invitae), Labcorp
Classification: Likely benign for Nemaline myopathy 6. Last evaluated: 2024-08-23. Review status: criteria provided, single submitter. Criteria: Invitae Variant Classification Sherloc (09022015). Collection method: clinical testing. Allele origin: germline.